The following is an entry in ClinVar:

NM_001042492.3(NF1):c.6020T>C (p.Leu2007Pro)

Gene: NF1 (neurofibromin 1; plus strand). Cytogenetic location: 17q11.2.
Variant type: single nucleotide variant.
Coding change: c.6020T>C on transcript NM_001042492.3 (MANE Select); coding-DNA position 6020, T replaced by C.
Protein change: p.Leu2007Pro; replaces leucine 2007 with proline.
Molecular consequence: missense variant.
Genome position (GRCh38, 1-based): chr17:31,336,346, T>C. VCF-style: chr17-31336346-T-C. GRCh37 (hg19) VCF-style: chr17-29663364-T-C.
Other names: c.5957T>C, p.Leu1986Pro (NM_000267.4); short protein forms L1986P, L2007P.
Identifiers: ClinVar variation 2171917 (VCV002171917.5), dbSNP rs2069668597, ClinGen allele CA399011024.
Genomic context (GRCh38, chr17:31,336,346, plus strand): 5'-AAATTGGTAGAGTGATTAAAAACATGTTATTTTCCTTCTTCAACTAGATTACAGATCTGC[T>C]TGATGTTGTACTAGACAGTTTCATCAAAACCAGTGCAACAGGTGGCTTGGGATCAATAAA-3'
Protein context (NP_001035957.1, residues 1997-2017): WGSLGQITDL[Leu2007Pro]DVVLDSFIKT

ClinVar aggregate classification (germline): Uncertain significance. Review status: criteria provided, multiple submitters, no conflicts (2 of 4 stars). 2 submissions from 2 submitters: Uncertain significance (2). Last evaluated 2024-11-04.

Conditions:
Neurofibromatosis, type 1 (NF1). Also called: VON RECKLINGHAUSEN DISEASE; NEUROFIBROMATOSIS, TYPE I, SOMATIC; Neurofibromatosis, type I; Peripheral type neurofibromatosis. Identifiers: Orphanet 636, MedGen C0027831, MONDO:0018975, OMIM 162200. Disease mechanism: loss of function.

Allele frequency attached by ClinVar (database versions not stated): gnomAD exomes below 0.00001.
gnomAD v4.1: 1 of 1,614,126 alleles (0.000062%); no homozygotes.

Submissions (2):

GeneDx
Classification: Uncertain significance. Last evaluated: 2024-11-04. Review status: criteria provided, single submitter. Criteria: GeneDx Variant Classification Process June 2021. Collection method: clinical testing. Allele origin: germline. Affected: yes.
Comment: Not observed at significant frequency in large population cohorts (gnomAD); In silico analysis supports that this missense variant has a deleterious effect on protein structure/function; Has not been previously published as pathogenic or benign to our knowledge; This variant is associated with the following publications: (PMID: 33726816)

Labcorp Genetics (formerly Invitae), Labcorp
Classification: Uncertain significance for Neurofibromatosis, type 1. Last evaluated: 2022-03-02. Review status: criteria provided, single submitter. Criteria: Invitae Variant Classification Sherloc (09022015). Collection method: clinical testing. Allele origin: germline.
Comment: In summary, the available evidence is currently insufficient to determine the role of this variant in disease. Therefore, it has been classified as a Variant of Uncertain Significance. Advanced modeling of protein sequence and biophysical properties (such as structural, functional, and spatial information, amino acid conservation, physicochemical variation, residue mobility, and thermodynamic stability) performed at Invitae indicates that this missense variant is expected to disrupt NF1 protein function. This variant has not been reported in the literature in individuals affected with NF1-related conditions. This variant is not present in population databases (gnomAD no frequency). This sequence change replaces leucine, which is neutral and non-polar, with proline, which is neutral and non-polar, at codon 1986 of the NF1 protein (p.Leu1986Pro).